The following is an entry in ClinVar:

NM_006158.5(NEFL):c.46C>T (p.Arg16Trp)

Gene: NEFL (neurofilament light chain; minus strand). Cytogenetic location: 8p21.2.
Variant type: single nucleotide variant.
Coding change: c.46C>T on transcript NM_006158.5 (MANE Select); coding-DNA position 46, C replaced by T.
Protein change: p.Arg16Trp; replaces arginine 16 with tryptophan.
Molecular consequence: missense variant.
Genome position (GRCh38, 1-based): chr8:24,956,470, G>A on the plus strand (C>T on the coding strand, the complement: NEFL is on the minus strand). VCF-style: chr8-24956470-G-A. GRCh37 (hg19) VCF-style: chr8-24813984-G-A.
Other names: short protein forms R16W.
Identifiers: ClinVar variation 2777415 (VCV002777415.3), dbSNP rs1407149544, ClinGen allele CA370624205.

ClinVar aggregate classification (germline): Uncertain significance (1 of 4 stars; one submission).

Conditions:
Charcot-Marie-Tooth disease type 2E (CMT2E). Also called: CHARCOT-MARIE-TOOTH DISEASE, AXONAL, TYPE 2E; CHARCOT-MARIE-TOOTH NEUROPATHY, TYPE 2E. Identifiers: Orphanet 99939, MedGen C1843225, MONDO:0011894, OMIM 607684.

Allele frequency attached by ClinVar (database versions not stated): gnomAD exomes 0.00001.
gnomAD v4.1: 9 of 1,604,292 alleles (0.00056%); highest among the groups gnomAD compares: Admixed American, 0.0017%; no homozygotes.

Submission:

Labcorp Genetics (formerly Invitae), Labcorp
Classification: Uncertain significance for Charcot-Marie-Tooth disease type 2E. Last evaluated: 2023-06-19. Review status: criteria provided, single submitter. Criteria: Invitae Variant Classification Sherloc (09022015). Collection method: clinical testing. Allele origin: germline.
Comment: This variant has not been reported in the literature in individuals affected with NEFL-related conditions. In summary, the available evidence is currently insufficient to determine the role of this variant in disease. Therefore, it has been classified as a Variant of Uncertain Significance. Advanced modeling of protein sequence and biophysical properties (such as structural, functional, and spatial information, amino acid conservation, physicochemical variation, residue mobility, and thermodynamic stability) has been performed at Invitae for this missense variant, however the output from this modeling did not meet the statistical confidence thresholds required to predict the impact of this variant on NEFL protein function. The frequency data for this variant in the population databases is considered unreliable, as metrics indicate poor data quality at this position in the gnomAD database. This sequence change replaces arginine, which is basic and polar, with tryptophan, which is neutral and slightly polar, at codon 16 of the NEFL protein (p.Arg16Trp).